The following is an entry in ClinVar:

ClinVar aggregate classification (germline): Conflicting classifications of pathogenicity. Review status: criteria provided, conflicting classifications (1 of 4 stars). 2 submissions from 2 submitters: Likely pathogenic (1); Uncertain significance (1). Last evaluated 2026-02-26.

Conditions:
Congenital contractural arachnodactyly (CCA). Also called: Arthrogryposis, distal, type 9; BEALS SYNDROME; Beals-Hecht syndrome. Identifiers: Orphanet 115, MedGen C0220668, MONDO:0007363, OMIM 121050.

Submissions (2):

GeneDx
Classification: Uncertain significance. Last evaluated: 2026-02-26. Review status: criteria provided, single submitter. Criteria: GeneDx Variant Classification Process June 2021. Collection method: clinical testing. Allele origin: germline.
Comment: Reported in a patient with mitral and tricuspid regurgitation, ear malformation, and radioulnar synostosis who inherited the variant from a parent with micrognathia and an ear malformation (PMID: 40709559); Nonsense variant predicted to result in protein truncation or nonsense mediated decay in a gene or region of a gene for which loss of function is not a well-established mechanism of disease; Not observed at significant frequency in large population cohorts (gnomAD); This variant is associated with the following publications: (PMID: 40709559)

Clinical Biomedical Laboratory, Shriners Hospital For Children - Canada
Classification: Likely pathogenic for Congenital contractural arachnodactyly. Review status: criteria provided, single submitter. Criteria: ACMG Guidelines, 2015. Collection method: clinical testing. Allele origin: germline. Affected: yes.
Comment: This variant is predicted to substitute an arginine residue by a stop codon. This is expected to lead to degradation of the affected transcript and loss of function of the affected allele. This variant is absent from the Genome Aggregation Database (v2.1.1.), indicating it is very rare. Based on the ACMG variant interpretation guidelines (criteria: PVS1, PM2), the available evidence supports classification of this variant as likely pathogenic.

NM_001999.4(FBN2):c.7417C>T (p.Arg2473Ter)

Gene: FBN2 (fibrillin 2; minus strand). Cytogenetic location: 5q23.3.
Variant type: single nucleotide variant.
Coding change: c.7417C>T on transcript NM_001999.4 (MANE Select); coding-DNA position 7417, C replaced by T.
Protein change: p.Arg2473Ter; replaces arginine 2473 with a stop codon.
Molecular consequence: nonsense.
Genome position (GRCh38, 1-based): chr5:128,277,934, G>A on the plus strand (C>T on the coding strand, the complement: FBN2 is on the minus strand). VCF-style: chr5-128277934-G-A. GRCh37 (hg19) VCF-style: chr5-127613626-G-A.
Other names: c.7417C>T (NM_001999.3); short protein forms R2473*.
Identifiers: ClinVar variation 4819345 (VCV004819345.2).